The following is an entry in ClinVar:

ClinVar aggregate classification (germline): Uncertain significance (1 of 4 stars; one submission).

Conditions:
Inborn genetic diseases. Identifiers: MedGen C0950123, MeSH D030342.

Submission:

Ambry Genetics
Classification: Uncertain significance for Inborn genetic diseases. Last evaluated: 2025-04-19. Review status: criteria provided, single submitter. Criteria: Ambry Variant Classification Scheme 2023. Collection method: clinical testing. Allele origin: germline.
Comment: The p.T431I variant (also known as c.1292C>T), located in coding exon 12 of the DDX41 gene, results from a C to T substitution at nucleotide position 1292. The threonine at codon 431 is replaced by isoleucine, an amino acid with similar properties. This amino acid position is conserved. In addition, this alteration is predicted to be deleterious by in silico analysis. Based on the available evidence, the clinical significance of this variant remains unclear.

NM_016222.4(DDX41):c.1292C>T (p.Thr431Ile)

Gene: DDX41 (DEAD-box helicase 41; minus strand). Cytogenetic location: 5q35.3.
Variant type: single nucleotide variant.
Coding change: c.1292C>T on transcript NM_016222.4 (MANE Select); coding-DNA position 1292, C replaced by T.
Protein change: p.Thr431Ile; replaces threonine 431 with isoleucine.
Molecular consequence: missense variant.
Genome position (GRCh38, 1-based): chr5:177,513,021, G>A on the plus strand (C>T on the coding strand, the complement: DDX41 is on the minus strand). VCF-style: chr5-177513021-G-A. GRCh37 (hg19) VCF-style: chr5-176940022-G-A.
Other names: c.914C>T, p.Thr305Ile (NM_001321732.2, NM_001321830.2); short protein forms T431I, T305I.
Identifiers: ClinVar variation 4010329 (VCV004010329.1).